The following is an entry in ClinVar:

ClinVar aggregate classification (germline): Uncertain significance (1 of 4 stars; one submission).

Conditions:
ADCY3-related disorder. Also called: ADCY3-related condition.

Submission:

PreventionGenetics, part of Exact Sciences
Classification: Uncertain significance for ADCY3-related condition. Last evaluated: 2026-03-13. Review status: criteria provided, single submitter. Criteria: ACMG Guidelines, 2015. Collection method: clinical testing. Allele origin: germline.
Comment: The ADCY3 c.839T>C variant is predicted to result in the amino acid substitution p.Leu280Pro. To our knowledge, this variant has not been reported in the literature or in a large population database (gnomAD), indicating this variant is rare. At this time, the clinical significance of this variant is uncertain due to the absence of conclusive functional and genetic evidence.

NM_004036.5(ADCY3):c.839T>C (p.Leu280Pro)

Gene: ADCY3 (adenylate cyclase 3; minus strand). Cytogenetic location: 2p23.3.
Variant type: single nucleotide variant.
Coding change: c.839T>C on transcript NM_004036.5 (MANE Select); coding-DNA position 839, T replaced by C.
Protein change: p.Leu280Pro; replaces leucine 280 with proline.
Molecular consequence: missense variant.
Genome position (GRCh38, 1-based): chr2:24,842,371, A>G on the plus strand (T>C on the coding strand, the complement: ADCY3 is on the minus strand). VCF-style: chr2-24842371-A-G. GRCh37 (hg19) VCF-style: chr2-25065240-A-G.
Other names: c.839T>C, p.Leu280Pro (NM_001320613.2, NM_001377128.1, NM_001377129.1 and 2 more transcripts); c.116T>C, p.Leu39Pro (NM_001377131.1); short protein forms L280P, L39P.
Identifiers: ClinVar variation 4991672 (VCV004991672.1).